The following is an entry in ClinVar:

ClinVar aggregate classification (germline): Uncertain significance. Review status: criteria provided, multiple submitters, no conflicts (2 of 4 stars). 3 submissions from 3 submitters: Uncertain significance (3). Last evaluated 2024-10-25.

Conditions:
Combined immunodeficiency due to DOCK8 deficiency (HIES2). Also called: DOCK8 Deficiency; HYPER-IgE RECURRENT INFECTION SYNDROME 2, AUTOSOMAL RECESSIVE; HIES autosomal recessive; HYPER-IgE SYNDROME 2, AUTOSOMAL RECESSIVE, WITH RECURRENT INFECTIONS; Hyper-IgE recurrent infection syndrome, autosomal recessive. Identifiers: Orphanet 217390, MedGen C4722305, MONDO:0009478, OMIM 243700.

Allele frequency attached by ClinVar (database versions not stated): TOPMed 0.00008; ExAC 0.00010; gnomAD exomes 0.00010 and 0.00015; gnomAD 0.00011 and 0.00012; ESP Exome Variant Server 0.00015.
gnomAD v4.1: 241 of 1,613,974 alleles (0.015%); highest among the groups gnomAD compares: Non-Finnish European, 0.019%; 1 homozygote.

Submissions (3):

Blueprint Genetics
Classification: Uncertain significance. Last evaluated: 2024-10-25. Review status: criteria provided, single submitter. Criteria: ACMG Guidelines, 2015. Collection method: clinical testing. Allele origin: germline.

Labcorp Genetics (formerly Invitae), Labcorp
Classification: Uncertain significance for Combined immunodeficiency due to DOCK8 deficiency. Last evaluated: 2022-10-17. Review status: criteria provided, single submitter. Criteria: Invitae Variant Classification Sherloc (09022015). Collection method: clinical testing. Allele origin: germline.
Comment: This sequence change replaces phenylalanine, which is neutral and non-polar, with leucine, which is neutral and non-polar, at codon 1592 of the DOCK8 protein (p.Phe1592Leu). This variant is present in population databases (rs200152962, gnomAD 0.02%). This variant has not been reported in the literature in individuals affected with DOCK8-related conditions. ClinVar contains an entry for this variant (Variation ID: 572106). Advanced modeling of protein sequence and biophysical properties (such as structural, functional, and spatial information, amino acid conservation, physicochemical variation, residue mobility, and thermodynamic stability) performed at Invitae indicates that this missense variant is not expected to disrupt DOCK8 protein function. In summary, the available evidence is currently insufficient to determine the role of this variant in disease. Therefore, it has been classified as a Variant of Uncertain Significance.

GeneDx
Classification: Uncertain significance. Last evaluated: 2021-08-19. Review status: criteria provided, single submitter. Criteria: GeneDx Variant Classification Process June 2021. Collection method: clinical testing. Allele origin: germline. Affected: yes.
Comment: In silico analysis supports that this missense variant has a deleterious effect on protein structure/function; Has not been previously published as pathogenic or benign to our knowledge

NM_203447.4(DOCK8):c.4774T>C (p.Phe1592Leu)

Gene: DOCK8 (dedicator of cytokinesis 8; plus strand). Cytogenetic location: 9p24.3.
Variant type: single nucleotide variant.
Coding change: c.4774T>C on transcript NM_203447.4 (MANE Select); coding-DNA position 4774, T replaced by C.
Protein change: p.Phe1592Leu; replaces phenylalanine 1592 with leucine.
Molecular consequence: missense variant.
Genome position (GRCh38, 1-based): chr9:432,313, T>C. VCF-style: chr9-432313-T-C. GRCh37 (hg19) VCF-style: chr9-432313-T-C.
Other names: c.4474T>C, p.Phe1492Leu (NM_001190458.2); c.4570T>C, p.Phe1524Leu (NM_001193536.2); short protein forms F1592L, F1492L, F1524L.
Identifiers: ClinVar variation 572106 (VCV000572106.12), dbSNP rs200152962, ClinGen allele CA4959188.